The following is an entry in ClinVar:

NM_006206.6(PDGFRA):c.-13+5070A>C

Gene: PDGFRA (platelet derived growth factor receptor alpha; plus strand). Cytogenetic location: 4q12.
Variant type: single nucleotide variant.
Coding change: c.-13+5070A>C on transcript NM_006206.6 (MANE Select); 5070 bases into the intron after 13 bases upstream of the start codon, A replaced by C.
Molecular consequence: intron variant. On other transcripts: missense variant (1).
Genome position (GRCh38, 1-based): chr4:54,234,485, A>C. VCF-style: chr4-54234485-A-C. GRCh37 (hg19) VCF-style: chr4-55100652-A-C.
Other names: c.14A>C, p.Glu5Ala (NM_001347830.2); c.-16+5070A>C (NM_001347828.2); c.-13+5070A>C (NM_001347827.2); c.-13+1042A>C (NM_001347829.2); short protein forms E5A.
Identifiers: ClinVar variation 4988045 (VCV004988045.1).

ClinVar aggregate classification (germline): Uncertain significance (1 of 4 stars; one submission).

Conditions:
PDGFRA-related disorder. Also called: PDGFRA-related condition.

gnomAD v4.1: 1 of 152,220 alleles (0.00066%); highest among the groups gnomAD compares: African/African-American, 0.0024%; no homozygotes.

Submission:

PreventionGenetics, part of Exact Sciences
Classification: Uncertain significance for PDGFRA-related condition. Last evaluated: 2025-03-27. Review status: criteria provided, single submitter. Criteria: ACMG Guidelines, 2015. Collection method: clinical testing. Allele origin: germline.
Comment: The PDGFRA c.14A>C variant is predicted to result in the amino acid substitution p.Glu5Ala. This variant is also known as c.-13+5070A>C (Pre-Coding) on the primary hereditary cancer transcript NM_006206.4. To our knowledge, this variant has not been reported in the literature or in a large population database (gnomAD), indicating this variant is rare. At the time of reporting this variant is absent in ClinVar. Although we suspect that this variant may be benign, at this time, the clinical significance of this variant is uncertain due to the absence of conclusive functional and genetic evidence.